The following is an entry in ClinVar:

ClinVar aggregate classification (germline): Uncertain significance (1 of 4 stars; one submission).

Conditions:
Symmetrical dyschromatosis of extremities (DSH). Also called: RETICULATE ACROPIGMENTATION OF DOHI; SYMMETRIC DYSCHROMATOSIS OF THE EXTREMITIES; DYSCHROMATOSIS SYMMETRICA HEREDITARIA 1; Dyschromatosis symmetrica hereditaria. Identifiers: Orphanet 41, MedGen C0406775, MONDO:0007483, OMIM 127400.
Aicardi-Goutieres syndrome 6 (AGS6). Identifiers: Orphanet 51, MedGen C3539013, MONDO:0014007, OMIM 615010.

Submission:

Labcorp Genetics (formerly Invitae), Labcorp
Classification: Uncertain significance for Aicardi-Goutieres syndrome 6; Symmetrical dyschromatosis of extremities. Last evaluated: 2022-01-10. Review status: criteria provided, single submitter. Criteria: Invitae Variant Classification Sherloc (09022015). Collection method: clinical testing. Allele origin: germline.
Comment: This variant has not been reported in the literature in individuals affected with ADAR-related conditions. This variant is not present in population databases (gnomAD no frequency). This sequence change replaces threonine, which is neutral and polar, with serine, which is neutral and polar, at codon 348 of the ADAR protein (p.Thr348Ser). Algorithms developed to predict the effect of missense changes on protein structure and function (SIFT, PolyPhen-2, Align-GVGD) all suggest that this variant is likely to be tolerated. In summary, the available evidence is currently insufficient to determine the role of this variant in disease. Therefore, it has been classified as a Variant of Uncertain Significance.

NM_001111.5(ADAR):c.1042A>T (p.Thr348Ser)

Gene: ADAR (adenosine deaminase RNA specific; minus strand). Cytogenetic location: 1q21.3.
Variant type: single nucleotide variant.
Coding change: c.1042A>T on transcript NM_001111.5 (MANE Select); coding-DNA position 1042, A replaced by T.
Protein change: p.Thr348Ser; replaces threonine 348 with serine.
Molecular consequence: missense variant.
Genome position (GRCh38, 1-based): chr1:154,601,600, T>A on the plus strand (A>T on the coding strand, the complement: ADAR is on the minus strand). VCF-style: chr1-154601600-T-A. GRCh37 (hg19) VCF-style: chr1-154574076-T-A.
Other names: c.157A>T, p.Thr53Ser (NM_001025107.3, NM_001193495.2, NM_001365046.1 and 3 more transcripts); c.1069A>T, p.Thr357Ser (NM_001365045.1); c.1042A>T, p.Thr348Ser (NM_015840.4, NM_015841.4); short protein forms T357S, T348S, T53S.
Identifiers: ClinVar variation 1469935 (VCV001469935.8), dbSNP rs1456341426, ClinGen allele CA342598811.